The following is an entry in ClinVar:

NM_001365276.2(TNXB):c.3945T>A (p.Thr1315=)

Gene: TNXB (tenascin XB; minus strand). Cytogenetic location: 6p21.33.
Variant type: single nucleotide variant.
Coding change: c.3945T>A on transcript NM_001365276.2 (MANE Select); coding-DNA position 3945, T replaced by A.
Protein change: p.Thr1315=; no amino-acid change (threonine 1315 retained).
Molecular consequence: synonymous variant.
Genome position (GRCh38, 1-based): chr6:32,081,465, A>T on the plus strand (T>A on the coding strand, the complement: TNXB is on the minus strand). VCF-style: chr6-32081465-A-T. GRCh37 (hg19) VCF-style: chr6-32049242-A-T.
Other names: p.Thr1315=; c.3945T>A, p.Thr1315= (NM_019105.8).
Identifiers: ClinVar variation 871709 (VCV000871709.47), dbSNP rs376285310, ClinGen allele CA3735077.
Genomic context (GRCh38, chr6:32,081,465, plus strand): 5'-CCTGCCACGAAGCCCGTAGAGGTTCATCTTATACTTCCGGTCGGGATCCAGGCCGGGGAC[A>T]GTAACCTCATTCTCATCCCCCGCAACAGGCACTGCCTGGGGCTGCCCCTGTGCATCCTTG-3'
Protein context (NP_001352205.1, residues 1305-1325): VPVAGDENEV[Thr1315=]VPGLDPDRKY

ClinVar aggregate classification (germline): Likely benign. Review status: criteria provided, multiple submitters, no conflicts (2 of 4 stars). 6 submissions from 6 submitters: Likely benign (5). 1 of the submissions does not count toward it. Last evaluated 2025-12-28.

Conditions:
Cardiovascular phenotype. Identifiers: MedGen CN230736.
TNXB-related disorder. Also called: TNXB-related condition.

Allele frequency attached by ClinVar (database versions not stated): gnomAD exomes 0.00006; TOPMed 0.00006; ExAC 0.00016; ESP Exome Variant Server 0.00016.
gnomAD v4.1: 68 of 1,597,708 alleles (0.0043%); highest among the groups gnomAD compares: Non-Finnish European, 0.0054%; no homozygotes.

Submissions (6):

Labcorp Genetics (formerly Invitae), Labcorp
Classification: Likely benign. Last evaluated: 2025-12-28. Review status: criteria provided, single submitter. Criteria: Invitae Variant Classification Sherloc (09022015). Collection method: clinical testing. Allele origin: germline.

Mayo Clinic Laboratories, Mayo Clinic
Classification: Likely benign. Last evaluated: 2025-10-14. Review status: criteria provided, single submitter. Criteria: ACMG Guidelines, 2015. Collection method: clinical testing. Allele origin: germline. Observed: 2 variant alleles.
Comment: BP4, BP7

Women's Health and Genetics/Laboratory Corporation of America, LabCorp
Classification: Likely benign. Last evaluated: 2025-07-28. Review status: criteria provided, single submitter. Criteria: LabCorp Variant Classification Summary - May 2015. Collection method: clinical testing. Allele origin: germline.

Ambry Genetics
Classification: Likely benign for Cardiovascular phenotype. Last evaluated: 2022-05-16. Review status: criteria provided, single submitter. Criteria: Ambry Variant Classification Scheme 2023. Collection method: clinical testing. Allele origin: germline.

CeGaT Center for Human Genetics Tuebingen
Classification: Likely benign. Last evaluated: 2019-10-01. Review status: criteria provided, single submitter. Criteria: CeGaT Center For Human Genetics Tuebingen Variant Classification Criteria Version 2. Collection method: clinical testing. Allele origin: germline. Affected: yes. Observed: 1 variant allele.

PreventionGenetics, part of Exact Sciences
Classification: Likely benign for TNXB-related condition. Last evaluated: 2019-06-21. Review status: no assertion criteria provided. Collection method: clinical testing. Allele origin: germline. Not counted in ClinVar's aggregate classification.
Comment: This variant is classified as likely benign based on ACMG/AMP sequence variant interpretation guidelines (Richards et al. 2015 PMID: 25741868, with internal and published modifications).